The following is an entry in ClinVar:

ClinVar aggregate classification (germline): Likely benign (1 of 4 stars; one submission).

gnomAD v4.1: 1 of 1,612,268 alleles (0.000062%); highest among the groups gnomAD compares: Non-Finnish European, 0.000085%; no homozygotes.

Submission:

CeGaT Center for Human Genetics Tuebingen
Classification: Likely benign. Last evaluated: 2026-03-01. Review status: criteria provided, single submitter. Criteria: CeGaT Center For Human Genetics Tuebingen Variant Classification Criteria Version 2. Collection method: clinical testing. Allele origin: germline. Affected: yes. Observed: 2 variant alleles.
Comment: DHX9: BP4, BP7

NM_001357.5(DHX9):c.339T>C (p.Leu113=)

Gene: DHX9 (DExH-box helicase 9; plus strand). Cytogenetic location: 1q25.3.
Variant type: single nucleotide variant.
Coding change: c.339T>C on transcript NM_001357.5 (MANE Select); coding-DNA position 339, T replaced by C.
Protein change: p.Leu113=; no amino-acid change (leucine 113 retained).
Molecular consequence: synonymous variant. On other transcripts: non-coding transcript variant (1).
Genome position (GRCh38, 1-based): chr1:182,852,319, T>C. VCF-style: chr1-182852319-T-C. GRCh37 (hg19) VCF-style: chr1-182821454-T-C.
Identifiers: ClinVar variation 4534839 (VCV004534839.6).